The following is an entry in ClinVar:

ClinVar aggregate classification (germline): Uncertain significance (1 of 4 stars; one submission).

Conditions:
KINSSHIP syndrome. Also called: MESOMELIC DYSPLASIA, STEICHEN-GERSDORF TYPE; MESOMELIC DYSPLASIA, AFF3-RELATED. Identifiers: MedGen C5543317, MONDO:0851095, OMIM 619297.

Submission:

Neuberg Centre For Genomic Medicine, NCGM
Classification: Uncertain significance for KINSSHIP syndrome. Last evaluated: 2023-05-20. Review status: criteria provided, single submitter. Criteria: ACMG Guidelines, 2015. Collection method: clinical testing. Allele origin: germline. Inheritance: Autosomal dominant inheritance. Affected: yes.
Comment: The observed missense variant c.127G>C (p.Asp43His) in AFF3 gene has not been reported previously as a pathogenic variant nor as a benign variant, to our knowledge. The p.Asp43His variant is absent in gnomAD Exomes. This variant has not been submitted to the ClinVar database. Multiple lines of computational evidence (Polyphen -Probably damaging, SIFT - Damaging and Mutation Taster - Polymorphism) predicts conflicting evidence on protein structure and function for this variant. The amino acid change p.Asp43His in AFF3 is predicted as conserved by GERP++ and PhyloP across 100 vertebrates. The amino acid Asp at position 43 is changed to a His changing protein sequence and it might alter its composition and physico-chemical properties. For these reasons, this variant has been classified as Variant of Uncertain Significance (VUS).

NM_001386135.1(AFF3):c.127G>C (p.Asp43His)

Gene: AFF3 (ALF transcription elongation factor 3; minus strand). Cytogenetic location: 2q11.2.
Variant type: single nucleotide variant.
Coding change: c.127G>C on transcript NM_001386135.1 (MANE Select); coding-DNA position 127, G replaced by C.
Protein change: p.Asp43His; replaces aspartic acid 43 with histidine.
Molecular consequence: missense variant.
Genome position (GRCh38, 1-based): chr2:100,008,859, C>G on the plus strand (G>C on the coding strand, the complement: AFF3 is on the minus strand). VCF-style: chr2-100008859-C-G. GRCh37 (hg19) VCF-style: chr2-100625321-C-G.
Other names: c.202G>C, p.Asp68His (NM_001025108.2); c.127G>C, p.Asp43His (NM_002285.3); short protein forms D43H, D68H.
Identifiers: ClinVar variation 3341353 (VCV003341353.1).
Genomic context (GRCh38, chr2:100,008,859, plus strand): 5'-GAAAACCATCTACCTTGTAGGGCTCACTGAAGAGAGAGTAACTAGAATTAAACGTGCCAT[C>G]ATCCTGTTGAGTTTCTTGATTTCTTCTTTCTCGTTCTTTCCTCCGTAATGCATTTCTATC-3'
Protein context (NP_001373064.1, residues 33-53): ERRNQETQQD[Asp43His]GTFNSSYSLF